The following is an entry in ClinVar:

NM_001368894.2(PAX6):c.400-2A>C

Gene: PAX6 (paired box 6; minus strand). Cytogenetic location: 11p13.
Variant type: single nucleotide variant.
Coding change: c.400-2A>C on transcript NM_001368894.2 (MANE Select); the canonical splice acceptor site of the intron before coding-DNA position 400, A replaced by C.
Molecular consequence: splice acceptor variant.
Genome position (GRCh38, 1-based): chr11:31,800,858, T>G on the plus strand (A>C on the coding strand, the complement: PAX6 is on the minus strand). VCF-style: chr11-31800858-T-G. GRCh37 (hg19) VCF-style: chr11-31822406-T-G.
Other names: c.400-2A>C (NM_001604.6, NM_001368893.2, NM_001368912.2 and 6 more transcripts); c.358-2A>C (NM_001368917.2, NM_000280.6, NM_001368916.2 and 10 more transcripts); c.199-2A>C (NM_001368927.2, NM_001368922.2, NM_001368925.2 and 4 more transcripts); c.601-2A>C (NM_001368910.2); c.-51-2A>C (NM_001368909.2, NM_001368904.2, NM_001368905.2 and 11 more transcripts); c.403-2A>C (NM_001368911.2); c.157-2A>C (NM_001368928.2); c.433-2A>C (NM_001368920.2); and 1 more.
Identifiers: ClinVar variation 5043293 (VCV005043293.1).

ClinVar aggregate classification (germline): Pathogenic (1 of 4 stars; one submission).

Conditions:
Sporadic aniridia.

Submission:

Genetics Laboratory, Great Ormond Street Hospital NHS Foundation Trust, North Thames Genomic Laboratory Hub
Classification: Pathogenic for Sporadic aniridia. Last evaluated: 2026-09-16. Review status: criteria provided, single submitter. Criteria: ACGS Best Practice Guidelines for Variant Classification in Rare Disease 2024 v1.2. Collection method: clinical testing. Allele origin: germline. Affected: yes.
Comment: PM2_moderate, PVS1_very-strong